The following is an entry in ClinVar:

NM_001875.4(CPS1):c.1030_1032delinsGCT (p.Thr344Ala)

Gene: CPS1 (carbamoyl-phosphate synthase 1; plus strand). Cytogenetic location: 2q34.
Variant type: Indel.
Coding change: c.1030_1032delinsGCT on transcript NM_001875.4; coding-DNA positions 1030 to 1032, ACC replaced by GCT.
Protein change: p.Thr344Ala; replaces threonine 344 with alanine.
Molecular consequence: missense variant (on NM_001875.5). On other transcripts: non-coding transcript variant (1).
Genome position (GRCh38, 1-based): chr2:210,591,913-210,591,915, ACC replaced by GCT. VCF-style: chr2-210591913-ACC-GCT. GRCh37 (hg19) VCF-style: chr2-211456637-ACC-GCT.
Other names: c.1030_1032delinsGCT, p.Thr344Ala (NM_001122633.3, NM_001369257.1, NM_001875.5); c.1063_1065delinsGCT, p.Thr355Ala (NM_001369256.1); short protein forms T344A, T355A.
Identifiers: ClinVar variation 281476 (VCV000281476.9), dbSNP rs386654705, ClinGen allele CA10603892.
Genomic context (GRCh38, chr2:210,591,913, plus strand): 5'-AATATCACAAACAAACAGGCTTTCATTACTGCTCAGAATCATGGCTATGCCTTGGACAAC[ACC>GCT]CTCCCTGCTGGCTGGAAACCACTTTTTGTGAATGTCAACGATCAAACAAATGAGGTAAAT-3'
Protein context (NP_001866.2, residues 334-354): AQNHGYALDN[Thr344Ala]LPAGWKPLFV

ClinVar aggregate classification (germline): Benign/Likely benign. Review status: criteria provided, multiple submitters, no conflicts (2 of 4 stars). 4 submissions from 4 submitters: Benign (2); Likely benign (2). Last evaluated 2023-11-29.

Conditions:
Congenital hyperammonemia, type I. Also called: Carbamoyl-phosphate synthase I deficiency; Carbamoyl phosphate synthetase 1 deficiency; Hyperammonemia due to carbamoyl phosphate synthetase 1 deficiency; CPS 1 deficiency; Carbamyl phosphate synthetase (CPS) deficiency; Carbamoyl phosphate synthetase I deficiency disease. Identifiers: Orphanet 147, MedGen C4082171, MONDO:0009376, OMIM 237300.
Pulmonary hypertension, neonatal, susceptibility to (PHN). Identifiers: MedGen C3714958, MONDO:0014151, OMIM 615371.

Submissions (4):

ARUP Laboratories, Molecular Genetics and Genomics, ARUP Laboratories
Classification: Benign. Last evaluated: 2023-11-29. Review status: criteria provided, single submitter. Criteria: ARUP Molecular Germline Variant Investigation Process 2024. Collection method: clinical testing. Allele origin: germline.

Intergen Genetics and Rare Diseases Diagnosis Center
Classification: Likely benign for Congenital hyperammonemia, type I. Last evaluated: 2023-07-06. Review status: criteria provided, single submitter. Criteria: ACMG Guidelines, 2015. Collection method: clinical testing. Allele origin: biparental. Inheritance: Autosomal recessive inheritance. Affected: no. Observed: 1 homozygote.

Fulgent Genetics
Classification: Likely benign for Congenital hyperammonemia, type I; Pulmonary hypertension, neonatal, susceptibility to. Last evaluated: 2021-11-11. Review status: criteria provided, single submitter. Criteria: ACMG Guidelines, 2015. Collection method: clinical testing. Allele origin: unknown.

Eurofins Ntd Llc (ga)
Classification: Benign. Last evaluated: 2015-06-10. Review status: criteria provided, single submitter. Criteria: EGL Classification Definitions 2015. Collection method: clinical testing. Allele origin: germline. Observed: 1 variant allele, 1 heterozygote.